The following is an entry in ClinVar:

NM_004606.5(TAF1):c.614A>T (p.Asp205Val)

Gene: TAF1 (TATA-box binding protein associated factor 1; plus strand). Cytogenetic location: Xq13.1.
Variant type: single nucleotide variant.
Coding change: c.614A>T on transcript NM_004606.5 (MANE Select); coding-DNA position 614, A replaced by T.
Protein change: p.Asp205Val; replaces aspartic acid 205 with valine.
Molecular consequence: missense variant. On other transcripts: non-coding transcript variant (9).
Genome position (GRCh38, 1-based): chrX:71,377,091, A>T. VCF-style: chrX-71377091-A-T. GRCh37 (hg19) VCF-style: chrX-70596941-A-T.
Other names: c.614A>T, p.Asp205Val (NM_001286074.2); c.551A>T, p.Asp184Val (NM_138923.4); short protein forms D184V, D205V.
Identifiers: ClinVar variation 1683307 (VCV001683307.1), dbSNP rs2033530376, ClinGen allele CA413506310.

ClinVar aggregate classification (germline): Uncertain significance (1 of 4 stars; one submission).

Submission:

Women's Health and Genetics/Laboratory Corporation of America, LabCorp
Classification: Uncertain significance. Last evaluated: 2022-04-18. Review status: criteria provided, single submitter. Criteria: LabCorp Variant Classification Summary - May 2015. Collection method: clinical testing. Allele origin: germline.
Comment: Variant summary: TAF1 c.674A>T (p.Asp225Val) results in a non-conservative amino acid change in the encoded protein sequence. Three of five in-silico tools predict a damaging effect of the variant on protein function. The variant was absent in 183350 control chromosomes. The available data on variant occurrences in the general population are insufficient to allow any conclusion about variant significance. To our knowledge, no occurrence of c.674A>T in individuals affected with Mental Retardation, X-Linked, Syndromic 33 and no experimental evidence demonstrating its impact on protein function have been reported. No clinical diagnostic laboratories have submitted clinical-significance assessments for this variant to ClinVar after 2014. Based on the evidence outlined above, the variant was classified as uncertain significance.